The following is an entry in ClinVar:

NM_002187.3(IL12B):c.299C>T (p.Ser100Leu)

Gene: IL12B (interleukin 12B; minus strand). Cytogenetic location: 5q33.3.
Variant type: single nucleotide variant.
Coding change: c.299C>T on transcript NM_002187.3 (MANE Select); coding-DNA position 299, C replaced by T.
Protein change: p.Ser100Leu; replaces serine 100 with leucine.
Molecular consequence: missense variant.
Genome position (GRCh38, 1-based): chr5:159,323,119, G>A on the plus strand (C>T on the coding strand, the complement: IL12B is on the minus strand). VCF-style: chr5-159323119-G-A. GRCh37 (hg19) VCF-style: chr5-158750127-G-A.
Other names: short protein forms S100L.
Identifiers: ClinVar variation 656790 (VCV000656790.9), dbSNP rs144694601, ClinGen allele CA3538851.

ClinVar aggregate classification (germline): Conflicting classifications of pathogenicity. Review status: criteria provided, conflicting classifications (1 of 4 stars). 3 submissions from 3 submitters: Uncertain significance (2); Likely benign (1). Last evaluated 2024-11-20.

Conditions:
Mendelian susceptibility to mycobacterial diseases due to complete IL12B deficiency. Also called: IL12B DEFICIENCY; Immunodeficiency 29. Identifiers: Orphanet 319558, MedGen C4013948, MONDO:0013954, OMIM 614890.

Allele frequency attached by ClinVar (database versions not stated): ExAC 0.00011; gnomAD 0.00013 and 0.00014; gnomAD exomes 0.00013 and 0.00020; 1000 Genomes Project 30x 0.00016; 1000 Genomes Project 0.00020; TOPMed 0.00020; ESP Exome Variant Server 0.00038.

Submissions (3):

Blueprint Genetics
Classification: Likely benign. Last evaluated: 2024-11-20. Review status: criteria provided, single submitter. Criteria: ACMG Guidelines, 2015. Collection method: clinical testing. Allele origin: germline.

Labcorp Genetics (formerly Invitae), Labcorp
Classification: Uncertain significance for Mendelian susceptibility to mycobacterial diseases due to complete IL12B deficiency. Last evaluated: 2022-08-19. Review status: criteria provided, single submitter. Criteria: Invitae Variant Classification Sherloc (09022015). Collection method: clinical testing. Allele origin: germline.
Comment: This sequence change replaces serine, which is neutral and polar, with leucine, which is neutral and non-polar, at codon 100 of the IL12B protein (p.Ser100Leu). This variant is present in population databases (rs144694601, gnomAD 0.03%). This variant has not been reported in the literature in individuals affected with IL12B-related conditions. ClinVar contains an entry for this variant (Variation ID: 656790). Algorithms developed to predict the effect of missense changes on protein structure and function output the following: SIFT: "Deleterious"; PolyPhen-2: "Benign"; Align-GVGD: "Class C0". The leucine amino acid residue is found in multiple mammalian species, which suggests that this missense change does not adversely affect protein function. In summary, the available evidence is currently insufficient to determine the role of this variant in disease. Therefore, it has been classified as a Variant of Uncertain Significance.

Illumina Laboratory Services, Illumina
Classification: Uncertain significance for Mendelian susceptibility to mycobacterial diseases due to complete IL12B deficiency. Last evaluated: 2017-04-27. Review status: criteria provided, single submitter. Criteria: ICSL Variant Classification Criteria 13 December 2019. Collection method: clinical testing. Allele origin: germline.